The following is an entry in ClinVar:

ClinVar aggregate classification (germline): Pathogenic (1 of 4 stars; one submission).

Conditions:
Pendred syndrome (PDS). Also called: Pendred Syndrome (PDS); DEAFNESS WITH GOITER; GOITER-DEAFNESS SYNDROME; HYPOTHYROIDISM, CONGENITAL, DUE TO DYSHORMONOGENESIS, 2B; THYROID DYSHORMONOGENESIS 2B; THYROID HORMONOGENESIS, GENETIC DEFECT IN, 2B. Identifiers: Orphanet 705, MedGen C0271829, MONDO:0010134, OMIM 274600.

Submission:

Myriad Genetics, Inc.
Classification: Pathogenic for Pendred syndrome. Last evaluated: 2024-12-03. Review status: criteria provided, single submitter. Criteria: Myriad Autosomal Dominant, Autosomal Recessive and X-Linked Classification Criteria (2023). Collection method: clinical testing. Allele origin: unknown.
Comment: NM_000441.1(SLC26A4):c.2024C>A(S675*) is expected to be pathogenic in the context of Pendred syndrome. This variant is predicted to lead to an abnormal or absent protein product due to the creation of a premature termination codon in SLC26A4, a gene where loss-of-function variants are known to be pathogenic. Please note: this variant was assessed in the context of healthy population screening.

NM_000441.2(SLC26A4):c.2024C>A (p.Ser675Ter)

Gene: SLC26A4 (solute carrier family 26 member 4; plus strand). Cytogenetic location: 7q22.3.
Variant type: single nucleotide variant.
Coding change: c.2024C>A on transcript NM_000441.2 (MANE Select); coding-DNA position 2024, C replaced by A.
Protein change: p.Ser675Ter; replaces serine 675 with a stop codon.
Molecular consequence: nonsense.
Genome position (GRCh38, 1-based): chr7:107,702,047, C>A. VCF-style: chr7-107702047-C-A. GRCh37 (hg19) VCF-style: chr7-107342492-C-A.
Other names: short protein forms S675*.
Identifiers: ClinVar variation 5013834 (VCV005013834.1).